The following is an entry in ClinVar:

NM_001394062.1(MACF1):c.17519G>A (p.Ser5840Asn)

Gene: MACF1 (microtubule actin crosslinking factor 1; plus strand). Cytogenetic location: 1p34.3.
Variant type: single nucleotide variant.
Coding change: c.17519G>A on transcript NM_001394062.1 (MANE Select); coding-DNA position 17519, G replaced by A.
Protein change: p.Ser5840Asn; replaces serine 5840 with asparagine.
Molecular consequence: missense variant.
Genome position (GRCh38, 1-based): chr1:39,433,109, G>A. VCF-style: chr1-39433109-G-A. GRCh37 (hg19) VCF-style: chr1-39898781-G-A.
Other names: c.5588G>A, p.Ser1863Asn (NM_001397473.1); c.11333G>A, p.Ser3778Asn (NM_012090.5); short protein forms S5840N, S3778N, S1863N.
Identifiers: ClinVar variation 2402811 (VCV002402811.4), dbSNP rs993910380, ClinGen allele CA20942308.

ClinVar aggregate classification (germline): Conflicting classifications of pathogenicity. Review status: criteria provided, conflicting classifications (1 of 4 stars). 2 submissions from 2 submitters: Uncertain significance (1); Likely benign (1). Last evaluated 2024-08-31.

Conditions:
Inborn genetic diseases. Identifiers: MedGen C0950123, MeSH D030342.

Allele frequency attached by ClinVar (database versions not stated): gnomAD 0.00002; gnomAD exomes 0.00003; TOPMed 0.00005.
gnomAD v4.1: 43 of 1,612,572 alleles (0.0027%); highest among the groups gnomAD compares: Admixed American, 0.02%; no homozygotes.

Submissions (2):

Labcorp Genetics (formerly Invitae), Labcorp
Classification: Uncertain significance. Last evaluated: 2024-08-31. Review status: criteria provided, single submitter. Criteria: Invitae Variant Classification Sherloc (09022015). Collection method: clinical testing. Allele origin: germline.
Comment: This sequence change replaces serine, which is neutral and polar, with asparagine, which is neutral and polar, at codon 3778 of the MACF1 protein (p.Ser3778Asn). This variant is present in population databases (no rsID available, gnomAD 0.02%). This variant has not been reported in the literature in individuals affected with MACF1-related conditions. ClinVar contains an entry for this variant (Variation ID: 2402811). An algorithm developed to predict the effect of missense changes on protein structure and function (PolyPhen-2) suggests that this variant is likely to be tolerated. In summary, the available evidence is currently insufficient to determine the role of this variant in disease. Therefore, it has been classified as a Variant of Uncertain Significance.

Ambry Genetics
Classification: Likely benign for Inborn genetic diseases. Last evaluated: 2021-10-26. Review status: criteria provided, single submitter. Criteria: Ambry Variant Classification Scheme 2023. Collection method: clinical testing. Allele origin: germline.